The following is an entry in ClinVar:

ClinVar aggregate classification (germline): Conflicting classifications of pathogenicity. Review status: criteria provided, conflicting classifications (1 of 4 stars). 3 submissions from 3 submitters: Uncertain significance (2); Likely benign (1). Last evaluated 2025-10-22.

Allele frequency attached by ClinVar (database versions not stated): TOPMed 0.00001; gnomAD 0.00004; ExAC 0.00015; 1000 Genomes Project 0.00040; 1000 Genomes Project 30x 0.00047.
gnomAD v4.1: 131 of 1,613,816 alleles (0.0081%); highest among the groups gnomAD compares: South Asian, 0.14%; 1 homozygote.

Submissions (3):

Ambry Genetics
Classification: Likely benign. Last evaluated: 2025-10-22. Review status: criteria provided, single submitter. Criteria: Ambry Variant Classification Scheme 2023. Collection method: clinical testing. Allele origin: germline.

Labcorp Genetics (formerly Invitae), Labcorp
Classification: Uncertain significance. Last evaluated: 2023-10-06. Review status: criteria provided, single submitter. Criteria: Invitae Variant Classification Sherloc (09022015). Collection method: clinical testing. Allele origin: germline.
Comment: This sequence change replaces threonine, which is neutral and polar, with serine, which is neutral and polar, at codon 253 of the KANK1 protein (p.Thr253Ser). This variant is present in population databases (rs546089068, gnomAD 0.1%), and has an allele count higher than expected for a pathogenic variant. This variant has not been reported in the literature in individuals affected with KANK1-related conditions. Advanced modeling of protein sequence and biophysical properties (such as structural, functional, and spatial information, amino acid conservation, physicochemical variation, residue mobility, and thermodynamic stability) performed at Invitae indicates that this missense variant is not expected to disrupt KANK1 protein function. In summary, the available evidence is currently insufficient to determine the role of this variant in disease. Therefore, it has been classified as a Variant of Uncertain Significance.

Blueprint Genetics
Classification: Uncertain significance. Last evaluated: 2023-07-31. Review status: criteria provided, single submitter. Criteria: ACMG Guidelines, 2015. Collection method: clinical testing. Allele origin: germline.

NM_015158.5(KANK1):c.758C>G (p.Thr253Ser)

Gene: KANK1 (KN motif and ankyrin repeat domains 1; plus strand). Cytogenetic location: 9p24.3.
Variant type: single nucleotide variant.
Coding change: c.758C>G on transcript NM_015158.5 (MANE Select); coding-DNA position 758, C replaced by G.
Protein change: p.Thr253Ser; replaces threonine 253 with serine.
Molecular consequence: missense variant. On other transcripts: non-coding transcript variant (1).
Genome position (GRCh38, 1-based): chr9:711,524, C>G. VCF-style: chr9-711524-C-G. GRCh37 (hg19) VCF-style: chr9-711524-C-G.
Other names: c.758C>G, p.Thr253Ser (NM_001256876.3, NM_001256877.3, NM_001354331.2 and 2 more transcripts); c.284C>G, p.Thr95Ser (NM_001354333.2, NM_001354335.2, NM_001354336.2 and 9 more transcripts); c.758C>G (NM_015158.2); short protein forms T95S, T253S.
Identifiers: ClinVar variation 2908103 (VCV002908103.5), dbSNP rs546089068, ClinGen allele CA4960032.